The following is an entry in ClinVar:

NM_000844.4(GRM7):c.1478G>A (p.Arg493His)

Gene: GRM7 (glutamate metabotropic receptor 7; plus strand). Cytogenetic location: 3p26.1.
Variant type: single nucleotide variant.
Coding change: c.1478G>A on transcript NM_000844.4 (MANE Select); coding-DNA position 1478, G replaced by A.
Protein change: p.Arg493His; replaces arginine 493 with histidine.
Molecular consequence: missense variant.
Genome position (GRCh38, 1-based): chr3:7,461,685, G>A. VCF-style: chr3-7461685-G-A. GRCh37 (hg19) VCF-style: chr3-7503372-G-A.
Other names: c.1478G>A, p.Arg493His (NM_181874.3); c.1478G>A (NM_000844.3); short protein forms R493H.
Identifiers: ClinVar variation 1334746 (VCV001334746.7), dbSNP rs767400612, ClinGen allele CA2234914.

ClinVar aggregate classification (germline): Uncertain significance. Review status: criteria provided, multiple submitters, no conflicts (2 of 4 stars). 3 submissions from 3 submitters: Uncertain significance (3). Last evaluated 2026-02-09.

Conditions:
Inborn genetic diseases. Identifiers: MedGen C0950123, MeSH D030342.

Allele frequency attached by ClinVar (database versions not stated): ExAC 0.00003; gnomAD 0.00011 and 0.00010; gnomAD exomes 0.00003; TOPMed 0.00012.
gnomAD v4.1: 54 of 1,613,804 alleles (0.0033%); highest among the groups gnomAD compares: Admixed American, 0.035%; no homozygotes.

Submissions (3):

GeneDx
Classification: Uncertain significance. Last evaluated: 2026-02-09. Review status: criteria provided, single submitter. Criteria: GeneDx Variant Classification Process June 2021. Collection method: clinical testing. Allele origin: germline.
Comment: In silico analysis supports that this missense variant has a deleterious effect on protein structure/function; Has not been previously published as pathogenic or benign to our knowledge

Ambry Genetics
Classification: Uncertain significance for Inborn genetic diseases. Last evaluated: 2022-08-05. Review status: criteria provided, single submitter. Criteria: Ambry Variant Classification Scheme 2023. Collection method: clinical testing. Allele origin: germline.

Greenwood Genetic Center Diagnostic Laboratories, Greenwood Genetic Center
Classification: Uncertain significance. Last evaluated: 2021-04-01. Review status: criteria provided, single submitter. Criteria: ACMG Guidelines, 2015. Collection method: clinical testing. Allele origin: germline. Affected: yes.
Comment: PM2